The following is an entry in ClinVar:

ClinVar aggregate classification (germline): Uncertain significance (1 of 4 stars; one submission).

Conditions:
Cardiovascular phenotype. Identifiers: MedGen CN230736.

Allele frequency attached by ClinVar (database versions not stated): gnomAD exomes below 0.00001 and 0.00001; TOPMed below 0.00001; gnomAD 0.00001.
gnomAD v4.1: 17 of 1,613,694 alleles (0.0011%); highest among the groups gnomAD compares: Non-Finnish European, 0.0014%; no homozygotes.

Submission:

Ambry Genetics
Classification: Uncertain significance for Cardiovascular phenotype. Last evaluated: 2017-12-15. Review status: criteria provided, single submitter. Criteria: Ambry Variant Classification Scheme 2023. Collection method: clinical testing. Allele origin: germline.
Comment: The p.G23564R variant (also known as c.70690G>A), located in coding exon 178 of the TTN gene, results from a G to A substitution at nucleotide position 70690. The glycine at codon 23564 is replaced by arginine, an amino acid with dissimilar properties. This amino acid position is well conserved in available vertebrate species. In addition, the in silico prediction for this alteration is inconclusive. Since supporting evidence is limited at this time, the clinical significance of this alteration remains unclear.

NM_001267550.2(TTN):c.97885G>A (p.Gly32629Arg)

Genes: TTN (titin; minus strand), TTN-AS1 (TTN antisense RNA 1; plus strand). Cytogenetic location: 2q31.2.
Variant type: single nucleotide variant.
Coding change: c.97885G>A on transcript NM_001267550.2 (MANE Select); coding-DNA position 97885, G replaced by A.
Protein change: p.Gly32629Arg; replaces glycine 32629 with arginine.
Molecular consequence: missense variant.
Genome position (GRCh38, 1-based): chr2:178,540,281, C>T on the plus strand (G>A on the coding strand, the complement: TTN is on the minus strand). VCF-style: chr2-178540281-C-T. GRCh37 (hg19) VCF-style: chr2-179405008-C-T.
Other names: c.92962G>A, p.Gly30988Arg (NM_001256850.1); c.70690G>A, p.Gly23564Arg (NM_003319.4); c.90181G>A, p.Gly30061Arg (NM_133378.4); c.71065G>A, p.Gly23689Arg (NM_133432.3); c.71266G>A, p.Gly23756Arg (NM_133437.4); short protein forms G23564R, G32629R, G23689R, G30988R, G23756R, G30061R.
Identifiers: ClinVar variation 518767 (VCV000518767.5), dbSNP rs767456906, ClinGen allele CA60966103.